The following is an entry in ClinVar:

ClinVar aggregate classification (germline): Uncertain significance (1 of 4 stars; one submission).

Conditions:
Kabuki syndrome. Also called: Kabuki make-up syndrome; NIIKAWA-KUROKI SYNDROME. Identifiers: Orphanet 2322, MedGen C0796004, MONDO:0016512.

Submission:

Labcorp Genetics (formerly Invitae), Labcorp
Classification: Uncertain significance for Kabuki syndrome. Last evaluated: 2023-02-04. Review status: criteria provided, single submitter. Criteria: Invitae Variant Classification Sherloc (09022015). Collection method: clinical testing. Allele origin: germline.
Comment: In summary, the available evidence is currently insufficient to determine the role of this variant in disease. Therefore, it has been classified as a Variant of Uncertain Significance. Advanced modeling of protein sequence and biophysical properties (such as structural, functional, and spatial information, amino acid conservation, physicochemical variation, residue mobility, and thermodynamic stability) performed at Invitae indicates that this missense variant is not expected to disrupt KMT2D protein function. ClinVar contains an entry for this variant (Variation ID: 1474018). This variant has not been reported in the literature in individuals affected with KMT2D-related conditions. This variant is not present in population databases (gnomAD no frequency). This sequence change replaces alanine, which is neutral and non-polar, with threonine, which is neutral and polar, at codon 3505 of the KMT2D protein (p.Ala3505Thr).

NM_003482.4(KMT2D):c.10513G>A (p.Ala3505Thr)

Gene: KMT2D (lysine methyltransferase 2D; minus strand). Cytogenetic location: 12q13.12.
Variant type: single nucleotide variant.
Coding change: c.10513G>A on transcript NM_003482.4 (MANE Select); coding-DNA position 10513, G replaced by A.
Protein change: p.Ala3505Thr; replaces alanine 3505 with threonine.
Molecular consequence: missense variant.
Genome position (GRCh38, 1-based): chr12:49,034,294, C>T on the plus strand (G>A on the coding strand, the complement: KMT2D is on the minus strand). VCF-style: chr12-49034294-C-T. GRCh37 (hg19) VCF-style: chr12-49428077-C-T.
Other names: short protein forms A3505T.
Identifiers: ClinVar variation 1474018 (VCV001474018.8), dbSNP rs2120455348, ClinGen allele CA384728589.